The following is an entry in ClinVar:

ClinVar aggregate classification (germline): Uncertain significance (1 of 4 stars; one submission).

Allele frequency attached by ClinVar (database versions not stated): ExAC 0.00008; TOPMed 0.00012; gnomAD 0.00013; ESP Exome Variant Server 0.00015; gnomAD exomes 0.00015; 1000 Genomes Project 30x 0.00016; 1000 Genomes Project 0.00020.
gnomAD v4.1: 248 of 1,612,346 alleles (0.015%); highest among the groups gnomAD compares: Non-Finnish European, 0.019%; no homozygotes.

Submission:

Labcorp Genetics (formerly Invitae), Labcorp
Classification: Uncertain significance. Last evaluated: 2024-05-18. Review status: criteria provided, single submitter. Criteria: Invitae Variant Classification Sherloc (09022015). Collection method: clinical testing. Allele origin: germline.
Comment: This sequence change replaces glycine, which is neutral and non-polar, with aspartic acid, which is acidic and polar, at codon 223 of the INTU protein (p.Gly223Asp). This variant is present in population databases (rs146720875, gnomAD 0.02%). This variant has not been reported in the literature in individuals affected with INTU-related conditions. ClinVar contains an entry for this variant (Variation ID: 2192255). Advanced modeling of protein sequence and biophysical properties (such as structural, functional, and spatial information, amino acid conservation, physicochemical variation, residue mobility, and thermodynamic stability) performed at Invitae indicates that this missense variant is not expected to disrupt INTU protein function with a negative predictive value of 80%. In summary, the available evidence is currently insufficient to determine the role of this variant in disease. Therefore, it has been classified as a Variant of Uncertain Significance.

NM_015693.4(INTU):c.668G>A (p.Gly223Asp)

Gene: INTU (inturned planar cell polarity protein; plus strand). Cytogenetic location: 4q28.1.
Variant type: single nucleotide variant.
Coding change: c.668G>A on transcript NM_015693.4 (MANE Select); coding-DNA position 668, G replaced by A.
Protein change: p.Gly223Asp; replaces glycine 223 with aspartic acid.
Molecular consequence: missense variant.
Genome position (GRCh38, 1-based): chr4:127,644,042, G>A. VCF-style: chr4-127644042-G-A. GRCh37 (hg19) VCF-style: chr4-128565197-G-A.
Other names: short protein forms G223D.
Identifiers: ClinVar variation 2192255 (VCV002192255.4), dbSNP rs146720875, ClinGen allele CA3074836.